The following is an entry in ClinVar:

NM_000043.6(FAS):c.719T>G (p.Met240Arg)

Gene: FAS (Fas cell surface death receptor; plus strand). Cytogenetic location: 10q23.31.
Variant type: single nucleotide variant.
Coding change: c.719T>G on transcript NM_000043.6 (MANE Select); coding-DNA position 719, T replaced by G.
Protein change: p.Met240Arg; replaces methionine 240 with arginine.
Molecular consequence: missense variant. On other transcripts: 3 prime UTR variant (2), non-coding transcript variant (7).
Genome position (GRCh38, 1-based): chr10:89,014,161, T>G. VCF-style: chr10-89014161-T-G. GRCh37 (hg19) VCF-style: chr10-90773918-T-G.
Other names: c.*42T>G (NM_001320619.2); c.764T>G, p.Met255Arg (NM_001410956.1); c.656T>G, p.Met219Arg (NM_152871.4); c.*31T>G (NM_152872.4); short protein forms M219R, M240R, M255R.
Identifiers: ClinVar variation 1720467 (VCV001720467.5), dbSNP rs2119445378, ClinGen allele CA377509641.
Genomic context (GRCh38, chr10:89,014,161, plus strand): 5'-CTATTTTCTATTTTTCAGATGTTGACTTGAGTAAATATATCACCACTATTGCTGGAGTCA[T>G]GACACTAAGTCAAGTTAAAGGCTTTGTTCGAAAGAATGGTGTCAATGAAGCCAAAATAGA-3'
Protein context (NP_000034.1, residues 230-250): SKYITTIAGV[Met240Arg]TLSQVKGFVR

ClinVar aggregate classification (germline): Uncertain significance (1 of 4 stars; one submission).

Conditions:
Autoimmune lymphoproliferative syndrome type 1. Also called: AUTOIMMUNE LYMPHOPROLIFERATIVE SYNDROME, TYPE I, AUTOSOMAL DOMINANT. Identifiers: Orphanet 3261, MedGen C2717884, MONDO:0011158, OMIM 601859.

Submission:

Labcorp Genetics (formerly Invitae), Labcorp
Classification: Uncertain significance for Autoimmune lymphoproliferative syndrome. Last evaluated: 2022-09-27. Review status: criteria provided, single submitter. Criteria: Invitae Variant Classification Sherloc (09022015). Collection method: clinical testing. Allele origin: germline.
Comment: This sequence change replaces methionine, which is neutral and non-polar, with arginine, which is basic and polar, at codon 240 of the FAS protein (p.Met240Arg). This variant is not present in population databases (gnomAD no frequency). In summary, the available evidence is currently insufficient to determine the role of this variant in disease. Therefore, it has been classified as a Variant of Uncertain Significance. Advanced modeling of protein sequence and biophysical properties (such as structural, functional, and spatial information, amino acid conservation, physicochemical variation, residue mobility, and thermodynamic stability) performed at Invitae indicates that this missense variant is expected to disrupt FAS protein function. This variant has not been reported in the literature in individuals affected with FAS-related conditions.